The following is an entry in ClinVar:

ClinVar aggregate classification (germline): Likely pathogenic (1 of 4 stars; one submission).

Conditions:
Charcot-Marie-Tooth disease axonal type 2P. Also called: CHARCOT-MARIE-TOOTH NEUROPATHY, TYPE 2P; Charcot-Marie-Tooth Neuropathy Type 2G; CHARCOT-MARIE-TOOTH DISEASE, AXONAL, TYPE 2G; CMT 2G. Identifiers: Orphanet 300319, Orphanet 99941, MedGen C3280797, MONDO:0013753, OMIM 614436.

Submission:

Labcorp Genetics (formerly Invitae), Labcorp
Classification: Likely pathogenic for Charcot-Marie-Tooth disease axonal type 2P. Last evaluated: 2022-04-05. Review status: criteria provided, single submitter. Criteria: Invitae Variant Classification Sherloc (09022015). Collection method: clinical testing. Allele origin: germline.
Comment: In summary, the currently available evidence indicates that the variant is pathogenic, but additional data are needed to prove that conclusively. Therefore, this variant has been classified as Likely Pathogenic. This variant has not been reported in the literature in individuals affected with LRSAM1-related conditions. This variant results in the deletion of exons 17-19 and part of exon 16 (c.1234_1504-445del) of the LRSAM1 gene. It is expected to disrupt RNA splicing. Variants that disrupt the donor or acceptor splice site typically lead to a loss of protein function (PMID: 16199547), and loss-of-function variants in LRSAM1 are known to be pathogenic (PMID: 20865121, 33414056).

Literature cited by the submitters: PubMed 16199547; PubMed 20865121; PubMed 33414056.

NC_000009.11:g.(?_130248084)_(130254631_?)del

Gene: LRSAM1 (leucine rich repeat and sterile alpha motif containing 1; plus strand). Cytogenetic location: 9q33.3.
Variant type: Deletion.
Identifiers: ClinVar variation 2427233 (VCV002427233.4).